The following is an entry in ClinVar:

ClinVar aggregate classification (germline): Uncertain significance (1 of 4 stars; one submission).

Submission:

Ambry Genetics
Classification: Uncertain significance. Last evaluated: 2025-02-06. Review status: criteria provided, single submitter. Criteria: Ambry Variant Classification Scheme 2023. Collection method: clinical testing. Allele origin: germline.
Comment: The p.D534E variant (also known as c.1602C>G), located in coding exon 8 of the RNF43 gene, results from a C to G substitution at nucleotide position 1602. The aspartic acid at codon 534 is replaced by glutamic acid, an amino acid with highly similar properties. This amino acid position is conserved. In addition, this alteration is predicted to be tolerated by in silico analysis. Based on the available evidence, the clinical significance of this variant remains unclear.

NM_017763.6(RNF43):c.1602C>G (p.Asp534Glu)

Gene: RNF43 (ring finger protein 43; minus strand). Cytogenetic location: 17q22.
Variant type: single nucleotide variant.
Coding change: c.1602C>G on transcript NM_017763.6 (MANE Select); coding-DNA position 1602, C replaced by G.
Protein change: p.Asp534Glu; replaces aspartic acid 534 with glutamic acid.
Molecular consequence: missense variant.
Genome position (GRCh38, 1-based): chr17:58,358,174, G>C on the plus strand (C>G on the coding strand, the complement: RNF43 is on the minus strand). VCF-style: chr17-58358174-G-C. GRCh37 (hg19) VCF-style: chr17-56435535-G-C.
Other names: c.1602C>G, p.Asp534Glu (NM_001305544.3); c.1221C>G, p.Asp407Glu (NM_001305545.2); short protein forms D407E, D534E.
Identifiers: ClinVar variation 3789929 (VCV003789929.1).